The following is an entry in ClinVar:

ClinVar aggregate classification (germline): Conflicting classifications of pathogenicity. Review status: criteria provided, conflicting classifications (1 of 4 stars). 4 submissions from 4 submitters: Uncertain significance (1); Likely benign (1). 2 of the submissions do not count toward it. Last evaluated 2024-11-27.

Conditions:
Glucose-6-phosphate transport defect (GSD1B). Also called: Glycogen Storage Disease Type Ib; GSD Ib. Identifiers: Orphanet 364, Orphanet 79259, MedGen C0268146, MONDO:0009288, OMIM 232220.
SLC37A4-related disorder. Also called: SLC37A4-related condition.
Phosphate transport defect (GSD1C). Also called: GLYCOGEN STORAGE DISEASE Ic; GSD Ic. Identifiers: Orphanet 364, Orphanet 79259, MedGen C0342749, OMIM 232240.
Congenital disorder of glycosylation, type IIw. Identifiers: MedGen C5561986, MONDO:0030437, OMIM 619525.

Allele frequency attached by ClinVar (database versions not stated): 1000 Genomes Project 30x 0.00031; 1000 Genomes Project 0.00040; gnomAD 0.00050 and 0.00055; TOPMed 0.00051; ExAC 0.00062; gnomAD exomes 0.00072 and 0.00119; ESP Exome Variant Server 0.00131.

Submissions (4):

Blueprint Genetics
Classification: Likely benign. Last evaluated: 2024-11-27. Review status: criteria provided, single submitter. Criteria: ACMG Guidelines, 2015. Collection method: clinical testing. Allele origin: germline.

Department of Pathology and Laboratory Medicine, Sinai Health System
Classification: Uncertain significance for Glucose-6-phosphate transport defect; Phosphate transport defect; Congenital disorder of glycosylation, type IIw. Last evaluated: 2023-06-15. Review status: criteria provided, single submitter. Criteria: ACMG Guidelines, 2015. Collection method: research. Allele origin: germline.

PreventionGenetics, part of Exact Sciences
Classification: Likely benign for SLC37A4-related condition. Last evaluated: 2023-07-22. Review status: no assertion criteria provided. Collection method: clinical testing. Allele origin: germline. Not counted in ClinVar's aggregate classification.
Comment: This variant is classified as likely benign based on ACMG/AMP sequence variant interpretation guidelines (Richards et al. 2015 PMID: 25741868, with internal and published modifications).

Counsyl
Classification: Likely benign for Glucose-6-phosphate transport defect. Last evaluated: 2017-01-09. Review status: no assertion criteria provided. Collection method: clinical testing. Allele origin: unknown. Not counted in ClinVar's aggregate classification.

NM_001164277.2(SLC37A4):c.985+228C>G

Gene: SLC37A4 (solute carrier family 37 member 4; minus strand). Cytogenetic location: 11q23.3.
Variant type: single nucleotide variant.
Coding change: c.985+228C>G on transcript NM_001164277.2 (MANE Select); 228 bases into the intron after coding-DNA position 985, C replaced by G.
Molecular consequence: intron variant. On other transcripts: missense variant (1).
Genome position (GRCh38, 1-based): chr11:119,025,739, G>C on the plus strand (C>G on the coding strand, the complement: SLC37A4 is on the minus strand). VCF-style: chr11-119025739-G-C. GRCh37 (hg19) VCF-style: chr11-118896449-G-C.
Other names: c.1003C>G (NM_001164278.1); c.1003C>G, p.Leu335Val (NM_001164278.2); c.766+228C>G (NM_001164279.2); c.985+228C>G (NM_001467.6, NM_001164280.2); short protein forms L335V.
Identifiers: ClinVar variation 550159 (VCV000550159.6), dbSNP rs201997939, ClinGen allele CA6311663.
Genomic context (GRCh38, chr11:119,025,739, plus strand): 5'-ATCTTTAAGGCACCTCATGCTCTGTAAAGCCTGTGAGCTCCGCGAGAGGGTGAAGAGCCA[G>C]AGTCCAGAAAGCAACATCCTAGAGGAGCACAGGGAAGAAAAGAAAACCAGGCCCAGAGTG-3'